The following is an entry in ClinVar:

NM_001972.4(ELANE):c.592T>G (p.Cys198Gly)

Gene: ELANE (elastase, neutrophil expressed; plus strand). Cytogenetic location: 19p13.3.
Variant type: single nucleotide variant.
Coding change: c.592T>G on transcript NM_001972.4 (MANE Select); coding-DNA position 592, T replaced by G.
Protein change: p.Cys198Gly; replaces cysteine 198 with glycine.
Molecular consequence: missense variant.
Genome position (GRCh38, 1-based): chr19:855,789, T>G. VCF-style: chr19-855789-T-G. GRCh37 (hg19) VCF-style: chr19-855789-T-G.
Other names: short protein forms C198G.
Identifiers: ClinVar variation 4248102 (VCV004248102.1).

ClinVar aggregate classification (germline): Uncertain significance (1 of 4 stars; one submission).

Conditions:
Inborn genetic diseases. Identifiers: MedGen C0950123, MeSH D030342.

Submission:

Ambry Genetics
Classification: Uncertain significance for Inborn genetic diseases. Last evaluated: 2025-08-29. Review status: criteria provided, single submitter. Criteria: Ambry Variant Classification Scheme 2023. Collection method: clinical testing. Allele origin: germline.
Comment: The p.C198G variant (also known as c.592T>G), located in coding exon 4 of the ELANE gene, results from a T to G substitution at nucleotide position 592. The cysteine at codon 198 is replaced by glycine, an amino acid with highly dissimilar properties. This amino acid position is conserved. In addition, this alteration is predicted to be deleterious by in silico analysis. Based on the available evidence, the clinical significance of this variant remains unclear.